The following is an entry in ClinVar:

NM_014334.4(FRRS1L):c.564_576del (p.Asn188fs)

Gene: FRRS1L (ferric chelate reductase 1 like; minus strand). Cytogenetic location: 9q31.3.
Variant type: Deletion.
Coding change: c.564_576del on transcript NM_014334.4 (MANE Select); coding-DNA positions 564 to 576, 13 bases deleted (CCCTGCCAGAGAT).
Protein change: p.Asn188fs; shifts the reading frame from asparagine 188.
Molecular consequence: frameshift variant.
Genome position (GRCh38, 1-based): chr9:109,141,476-109,141,488, ATCTCTGGCAGGG deleted on the plus strand (CCCTGCCAGAGAT on the coding strand, the reverse complement: FRRS1L is on the minus strand). VCF-style (leftmost placement, unchanged base first): chr9-109141475-CATCTCTGGCAGGG-C. GRCh37 (hg19) VCF-style: chr9-111903755-CATCTCTGGCAGGG-C.
Other names: short protein forms N188fs.
Identifiers: ClinVar variation 1452447 (VCV001452447.6), dbSNP rs2118467979, ClinGen allele CA2573143687.
Genomic context (GRCh38, chr9:109,141,475, plus strand): 5'-GAACATTCACAGGGCGTTTAAATCTGCAGGTGACGCGATTGTTCTCAAAAACTCCTTCTT[CATCTCTGGCAGGG>C]TTTCTCTGAATCTCCTTTGCCCACTGGCCTACATTATAGAAGTGCTGTATGCGGACCCTG-3'

ClinVar aggregate classification (germline): Pathogenic (1 of 4 stars; one submission).

Conditions:
Developmental and epileptic encephalopathy, 37 (DEE37). Also called: Epileptic encephalopathy, early infantile, 37. Identifiers: MedGen C4310770, MONDO:0014859, OMIM 616981.

Submission:

Labcorp Genetics (formerly Invitae), Labcorp
Classification: Pathogenic for Developmental and epileptic encephalopathy, 37. Last evaluated: 2023-09-10. Review status: criteria provided, single submitter. Criteria: Invitae Variant Classification Sherloc (09022015). Collection method: clinical testing. Allele origin: germline.
Comment: ClinVar contains an entry for this variant (Variation ID: 1452447). For these reasons, this variant has been classified as Pathogenic. This premature translational stop signal has been observed in individual(s) with clinical features of developmental and epileptic encephalopathy (Invitae). In at least one individual the data is consistent with being in trans (on the opposite chromosome) from a pathogenic variant. This sequence change creates a premature translational stop signal (p.Asn239Lysfs*19) in the FRRS1L gene. It is expected to result in an absent or disrupted protein product. Loss-of-function variants in FRRS1L are known to be pathogenic (PMID: 27236917). This variant is not present in population databases (gnomAD no frequency).

Literature cited by the submitters: PubMed 27236917.